The following is an entry in ClinVar:

ClinVar aggregate classification (germline): Benign/Likely benign. Review status: criteria provided, multiple submitters, no conflicts (2 of 4 stars). 6 submissions from 6 submitters: Benign (3); Likely benign (1). 2 of the submissions do not count toward it. Last evaluated 2026-01-15.

Conditions:
Brain small vessel disease 2A, autosomal dominant. Also called: Porencephaly 2. Identifiers: Orphanet 2940, Orphanet 99810, MedGen C3280970, MONDO:0013773, OMIM 614483.

Allele frequency attached by ClinVar (database versions not stated): gnomAD exomes 0.00025 and 0.00046; gnomAD 0.00093 and 0.00095; TOPMed 0.00100; ExAC 0.00101; 1000 Genomes Project 30x 0.00172; 1000 Genomes Project 0.00679.
gnomAD v4.1: 512 of 1,601,148 alleles (0.032%); highest among the groups gnomAD compares: African/African-American, 0.31%; 2 homozygotes.

Submissions (6):

Labcorp Genetics (formerly Invitae), Labcorp
Classification: Benign. Last evaluated: 2026-01-15. Review status: criteria provided, single submitter. Criteria: Invitae Variant Classification Sherloc (09022015). Collection method: clinical testing. Allele origin: germline.

Blueprint Genetics
Classification: Likely benign. Last evaluated: 2024-11-18. Review status: criteria provided, single submitter. Criteria: ACMG Guidelines, 2015. Collection method: clinical testing. Allele origin: germline.

CeGaT Center for Human Genetics Tuebingen
Classification: Benign. Last evaluated: 2022-08-01. Review status: criteria provided, single submitter. Criteria: CeGaT Center For Human Genetics Tuebingen Variant Classification Criteria Version 2. Collection method: clinical testing. Allele origin: germline. Affected: yes. Observed: 1 variant allele.
Comment: COL4A2: BS1, BS2

Illumina Laboratory Services, Illumina
Classification: Benign for Brain small vessel disease 2A, autosomal dominant. Last evaluated: 2018-01-13. Review status: criteria provided, single submitter. Criteria: ICSL Variant Classification Criteria 13 December 2019. Collection method: clinical testing. Allele origin: germline.
Comment: This variant was observed in the ICSL laboratory as part of a predisposition screen in an ostensibly healthy population. It had not been previously curated by ICSL or reported in the Human Gene Mutation Database (HGMD: prior to June 1st, 2018), and was therefore a candidate for classification through an automated scoring system. Utilizing variant allele frequency, disease prevalence and penetrance estimates, and inheritance mode, an automated score was calculated to assess if this variant is too frequent to cause the disease. Based on the score and internal cut-off values, a variant classified as benign is not then subjected to further curation. The score for this variant resulted in a classification of benign for this disease.

Clinical Genetics DNA and cytogenetics Diagnostics Lab, Erasmus MC, Erasmus Medical Center
Classification: Likely benign. Review status: no assertion criteria provided. Collection method: clinical testing. Allele origin: germline. Affected: yes. Study: VKGL Data-share Consensus. Not counted in ClinVar's aggregate classification.

Laboratory of Diagnostic Genome Analysis, Leiden University Medical Center (LUMC)
Classification: Likely benign. Review status: no assertion criteria provided. Collection method: clinical testing. Allele origin: germline. Affected: yes. Study: VKGL Data-share Consensus. Not counted in ClinVar's aggregate classification.

NM_001846.4(COL4A2):c.3396C>T (p.Phe1132=)

Gene: COL4A2 (collagen type IV alpha 2 chain; plus strand). Cytogenetic location: 13q34.
Variant type: single nucleotide variant.
Coding change: c.3396C>T on transcript NM_001846.4 (MANE Select); coding-DNA position 3396, C replaced by T.
Protein change: p.Phe1132=; no amino-acid change (phenylalanine 1132 retained).
Molecular consequence: synonymous variant.
Genome position (GRCh38, 1-based): chr13:110,491,282, C>T. VCF-style: chr13-110491282-C-T. GRCh37 (hg19) VCF-style: chr13-111143629-C-T.
Identifiers: ClinVar variation 311161 (VCV000311161.41), dbSNP rs201762977, ClinGen allele CA7050205.